The following is an entry in ClinVar:

ClinVar aggregate classification (germline): Pathogenic (1 of 4 stars; one submission).

Conditions:
Hypertrophic cardiomyopathy 26. Also called: Cardiomyopathy, familial hypertrophic, 26. Identifiers: Orphanet 75249, MedGen C4310749, MONDO:0014883, OMIM 617047.
Myofibrillar myopathy 5. Also called: Filaminopathy (type); FILAMINOPATHY, AUTOSOMAL DOMINANT. Identifiers: Orphanet 171445, MedGen C1836050, MONDO:0012289, OMIM 609524.
Distal myopathy with posterior leg and anterior hand involvement. Also called: WILLIAMS DISTAL MYOPATHY. Identifiers: Orphanet 63273, MedGen C3279722, MONDO:0013550, OMIM 614065.

Submission:

Labcorp Genetics (formerly Invitae), Labcorp
Classification: Pathogenic for Distal myopathy with posterior leg and anterior hand involvement; Myofibrillar myopathy 5; Hypertrophic cardiomyopathy 26. Last evaluated: 2023-12-04. Review status: criteria provided, single submitter. Criteria: Invitae Variant Classification Sherloc (09022015). Collection method: clinical testing. Allele origin: germline.
Comment: This sequence change creates a premature translational stop signal (p.Val1487Trpfs*29) in the FLNC gene. It is expected to result in an absent or disrupted protein product. Loss-of-function variants in FLNC are known to be pathogenic (PMID: 27908349). This variant is not present in population databases (gnomAD no frequency). This variant has not been reported in the literature in individuals affected with FLNC-related conditions. For these reasons, this variant has been classified as Pathogenic.

Literature cited by the submitters: PubMed 27908349.

NM_001458.5(FLNC):c.4458del (p.Val1487fs)

Gene: FLNC (filamin C; plus strand). Cytogenetic location: 7q32.1.
Variant type: Deletion.
Coding change: c.4458del on transcript NM_001458.5 (MANE Select); coding-DNA position 4458, one base deleted (T; older notation c.4458delT).
Protein change: p.Val1487fs; shifts the reading frame from valine 1487.
Molecular consequence: frameshift variant.
Genome position (GRCh38, 1-based): chr7:128,847,946, T deleted. VCF-style (leftmost placement, unchanged base first): chr7-128847945-GT-G. GRCh37 (hg19) VCF-style: chr7-128487999-GT-G.
Other names: c.4458del, p.Val1487fs (NM_001127487.2); short protein forms V1487fs.
Identifiers: ClinVar variation 2954439 (VCV002954439.3), dbSNP rs2536646331, ClinGen allele CA2740094839.
Genomic context (GRCh38, chr7:128,847,945, plus strand): 5'-GGAGGAGGGAGGTGGGGCGGGACGCCCGGAGGCTCTGCTGACCCTGTGCCCCTTGCCCAG[GT>G]GTGGCCGAGCCTGTGGAGGTGCGGGACAATGGAGATGGCACCCACACTGTCCACTACACC-3'